The following is an entry in ClinVar:

ClinVar aggregate classification (germline): Uncertain significance (1 of 4 stars; one submission).

Conditions:
Deficiency of isobutyryl-CoA dehydrogenase. Also called: ACAD8 DEFICIENCY; IBD DEFICIENCY; ACYL-CoA DEHYDROGENASE FAMILY, MEMBER 8, DEFICIENCY OF. Identifiers: Orphanet 79159, MedGen C1969809, MONDO:0012648, OMIM 611283.

Submission:

Labcorp Genetics (formerly Invitae), Labcorp
Classification: Uncertain significance for Deficiency of isobutyryl-CoA dehydrogenase. Last evaluated: 2022-06-20. Review status: criteria provided, single submitter. Criteria: Invitae Variant Classification Sherloc (09022015). Collection method: clinical testing. Allele origin: germline.
Comment: In summary, the available evidence is currently insufficient to determine the role of this variant in disease. Therefore, it has been classified as a Variant of Uncertain Significance. Algorithms developed to predict the effect of sequence changes on RNA splicing suggest that this variant may disrupt the consensus splice site. This variant has not been reported in the literature in individuals affected with ACAD8-related conditions. This variant is not present in population databases (gnomAD no frequency). This sequence change affects codon 153 of the ACAD8 mRNA. It is a 'silent' change, meaning that it does not change the encoded amino acid sequence of the ACAD8 protein.

NM_014384.3(ACAD8):c.459G>A (p.Glu153=)

Gene: ACAD8 (acyl-CoA dehydrogenase family member 8; plus strand). Cytogenetic location: 11q25.
Variant type: single nucleotide variant.
Coding change: c.459G>A on transcript NM_014384.3 (MANE Select); coding-DNA position 459, G replaced by A.
Protein change: p.Glu153=; no amino-acid change (glutamic acid 153 retained).
Molecular consequence: synonymous variant.
Genome position (GRCh38, 1-based): chr11:134,258,593, G>A. VCF-style: chr11-134258593-G-A. GRCh37 (hg19) VCF-style: chr11-134128487-G-A.
Identifiers: ClinVar variation 2008608 (VCV002008608.4), dbSNP rs2497160350, ClinGen allele CA477722273.